The following is an entry in ClinVar:

ClinVar aggregate classification (germline): Likely benign (1 of 4 stars; one submission).

Submission:

GeneDx
Classification: Likely benign. Last evaluated: 2018-04-09. Review status: criteria provided, single submitter. Criteria: GeneDx Variant Classification (06012015). Collection method: clinical testing. Allele origin: germline. Affected: yes.
Comment: This variant is considered likely benign or benign based on one or more of the following criteria: it is a conservative change, it occurs at a poorly conserved position in the protein, it is predicted to be benign by multiple in silico algorithms, and/or has population frequency not consistent with disease.

NM_000179.3(MSH6):c.627+6A>G

Gene: MSH6 (mutS homolog 6; plus strand). Cytogenetic location: 2p16.3.
Variant type: single nucleotide variant.
Coding change: c.627+6A>G on transcript NM_000179.3 (MANE Select); 6 bases into the intron after coding-DNA position 627, A replaced by G.
Molecular consequence: intron variant.
Genome position (GRCh38, 1-based): chr2:47,796,069, A>G. VCF-style: chr2-47796069-A-G. GRCh37 (hg19) VCF-style: chr2-48023208-A-G.
Other names: c.-279-2542A>G (NM_001281493.2); c.238-2542A>G (NM_001281492.2); c.-276+6A>G (NM_001281494.2).
Identifiers: ClinVar variation 682015 (VCV000682015.1), dbSNP rs1572716556, ClinGen allele CA915943796.